The following is an entry in ClinVar:

NM_001904.4(CTNNB1):c.812T>A (p.Met271Lys)

Gene: CTNNB1 (catenin beta 1; plus strand). Cytogenetic location: 3p22.1.
Variant type: single nucleotide variant.
Coding change: c.812T>A on transcript NM_001904.4 (MANE Select); coding-DNA position 812, T replaced by A.
Protein change: p.Met271Lys; replaces methionine 271 with lysine.
Molecular consequence: missense variant.
Genome position (GRCh38, 1-based): chr3:41,225,737, T>A. VCF-style: chr3-41225737-T-A. GRCh37 (hg19) VCF-style: chr3-41267228-T-A.
Other names: c.812T>A, p.Met271Lys (NM_001098209.2, NM_001098210.2, NM_001438871.1 and 4 more transcripts); c.791T>A, p.Met264Lys (NM_001330729.2); short protein forms M264K, M271K.
Identifiers: ClinVar variation 4809125 (VCV004809125.1).

ClinVar aggregate classification (germline): Uncertain significance (1 of 4 stars; one submission).

Submission:

Labcorp Genetics (formerly Invitae), Labcorp
Classification: Uncertain significance. Last evaluated: 2025-04-09. Review status: criteria provided, single submitter. Criteria: Invitae Variant Classification Sherloc (09022015). Collection method: clinical testing. Allele origin: germline.
Comment: This sequence change replaces methionine, which is neutral and non-polar, with lysine, which is basic and polar, at codon 271 of the CTNNB1 protein (p.Met271Lys). This variant is not present in population databases (gnomAD no frequency). This variant has not been reported in the literature in individuals affected with CTNNB1-related conditions. Invitae Evidence Modeling of protein sequence and biophysical properties (such as structural, functional, and spatial information, amino acid conservation, physicochemical variation, residue mobility, and thermodynamic stability) indicates that this missense variant is expected to disrupt CTNNB1 protein function with a positive predictive value of 80%. In summary, the available evidence is currently insufficient to determine the role of this variant in disease. Therefore, it has been classified as a Variant of Uncertain Significance.